The following is an entry in ClinVar:

NM_002458.3(MUC5B):c.2470G>A (p.Val824Met)

Gene: MUC5B (mucin 5B, oligomeric mucus/gel-forming; plus strand). Cytogenetic location: 11p15.5.
Variant type: single nucleotide variant.
Coding change: c.2470G>A on transcript NM_002458.3 (MANE Select); coding-DNA position 2470, G replaced by A.
Protein change: p.Val824Met; replaces valine 824 with methionine.
Molecular consequence: missense variant.
Genome position (GRCh38, 1-based): chr11:1,234,297, G>A. VCF-style: chr11-1234297-G-A. GRCh37 (hg19) VCF-style: chr11-1255527-G-A.
Other names: short protein forms V824M.
Identifiers: ClinVar variation 2532193 (VCV002532193.4), dbSNP rs182394351, ClinGen allele CA5804710.

ClinVar aggregate classification (germline): Uncertain significance. Review status: criteria provided, single submitter (1 of 4 stars). 2 submissions from 2 submitters: Uncertain significance (1). 1 of the submissions does not count toward it. Last evaluated 2025-05-19.

Conditions:
MUC5B-related disorder. Also called: MUC5B-related condition.

Allele frequency attached by ClinVar (database versions not stated): TOPMed 0.00006; gnomAD 0.00014; gnomAD exomes 0.00022; ExAC 0.00030; 1000 Genomes Project 30x 0.00078; 1000 Genomes Project 0.00080.
gnomAD v4.1: 360 of 1,602,072 alleles (0.022%); highest among the groups gnomAD compares: East Asian, 0.47%; 3 homozygotes.

Submissions (2):

Ambry Genetics
Classification: Uncertain significance. Last evaluated: 2025-05-19. Review status: criteria provided, single submitter. Criteria: Ambry Variant Classification Scheme 2023. Collection method: clinical testing. Allele origin: germline.

PreventionGenetics, part of Exact Sciences
Classification: Likely benign for MUC5B-related condition. Last evaluated: 2024-06-06. Review status: no assertion criteria provided. Collection method: clinical testing. Allele origin: germline. Not counted in ClinVar's aggregate classification.
Comment: This variant is classified as likely benign based on ACMG/AMP sequence variant interpretation guidelines (Richards et al. 2015 PMID: 25741868, with internal and published modifications).